The following is an entry in ClinVar:

NM_001368882.1(COL13A1):c.685-1173C>T

Gene: COL13A1 (collagen type XIII alpha 1 chain; plus strand). Cytogenetic location: 10q22.1.
Variant type: single nucleotide variant.
Coding change: c.685-1173C>T on transcript NM_001368882.1 (MANE Select); 1173 bases into the intron before coding-DNA position 685, C replaced by T.
Molecular consequence: intron variant. On other transcripts: missense variant (4).
Genome position (GRCh38, 1-based): chr10:69,897,524, C>T. VCF-style: chr10-69897524-C-T. GRCh37 (hg19) VCF-style: chr10-71657280-C-T.
Other names: c.707C>T, p.Ala236Val (NM_001130103.2, NM_080801.4, NM_080802.4); c.620C>T, p.Ala207Val (NM_080805.4); c.685-1173C>T (NM_001320951.2, NM_001368884.1); c.658-1173C>T (NM_080800.4); c.85-1173C>T (NM_001368886.1); c.649-1173C>T (NM_001368883.1, NM_001368885.1); c.571-1173C>T (NM_001368897.1); c.595-1173C>T (NM_001368895.1); and 1 more; short protein forms A207V, A236V.
Identifiers: ClinVar variation 1713930 (VCV001713930.5), dbSNP rs2544554788, ClinGen allele CA376933276.
Genomic context (GRCh38, chr10:69,897,524, plus strand): 5'-TCCCAAACTAGGAGTGCCTAAGCAGCATGCCAGCAGCTCTGCGCTCCAGCCAAATAATTG[C>T]CCTGAAGGTTTGTAGGTTCTGGAAGGTCTCCGGGCCCCTCTCCACTGAGAGGCTTCCTGA-3'

ClinVar aggregate classification (germline): Uncertain significance (1 of 4 stars; one submission).

gnomAD v4.1: 1 of 1,613,940 alleles (0.000062%); no homozygotes.

Submission:

Labcorp Genetics (formerly Invitae), Labcorp
Classification: Uncertain significance. Last evaluated: 2022-07-15. Review status: criteria provided, single submitter. Criteria: Invitae Variant Classification Sherloc (09022015). Collection method: clinical testing. Allele origin: germline.
Comment: Algorithms developed to predict the effect of missense changes on protein structure and function (SIFT, PolyPhen-2, Align-GVGD) all suggest that this variant is likely to be tolerated. This sequence change replaces alanine, which is neutral and non-polar, with valine, which is neutral and non-polar, at codon 236 of the COL13A1 protein (p.Ala236Val). This variant is not present in population databases (gnomAD no frequency). This variant has not been reported in the literature in individuals affected with COL13A1-related conditions. In summary, the available evidence is currently insufficient to determine the role of this variant in disease. Therefore, it has been classified as a Variant of Uncertain Significance.